The following is an entry in ClinVar:

ClinVar aggregate classification (germline): Uncertain significance (1 of 4 stars; one submission).

gnomAD v4.1: 2 of 1,606,120 alleles (0.00012%); highest among the groups gnomAD compares: Admixed American, 0.0034%; no homozygotes.

Submission:

CeGaT Center for Human Genetics Tuebingen
Classification: Uncertain significance. Last evaluated: 2026-09-01. Review status: criteria provided, single submitter. Criteria: CeGaT Center For Human Genetics Tuebingen Variant Classification Criteria Version 2. Collection method: clinical testing. Allele origin: germline. Affected: yes. Observed: 1 variant allele.
Comment: DOCK4: PM2

NM_001363540.2(DOCK4):c.3482T>C (p.Ile1161Thr)

Gene: DOCK4 (dedicator of cytokinesis 4; minus strand). Cytogenetic location: 7q31.1.
Variant type: single nucleotide variant.
Coding change: c.3482T>C on transcript NM_001363540.2 (MANE Select); coding-DNA position 3482, T replaced by C.
Protein change: p.Ile1161Thr; replaces isoleucine 1161 with threonine.
Molecular consequence: missense variant.
Genome position (GRCh38, 1-based): chr7:111,783,899, A>G on the plus strand (T>C on the coding strand, the complement: DOCK4 is on the minus strand). VCF-style: chr7-111783899-A-G. GRCh37 (hg19) VCF-style: chr7-111423955-A-G.
Other names: c.3455T>C, p.Ile1152Thr (NM_014705.4); short protein forms I1152T, I1161T.
Identifiers: ClinVar variation 5041672 (VCV005041672.1).
Genomic context (GRCh38, chr7:111,783,899, plus strand): 5'-ACATGCGACTTGGCTTACCTGTAATCTAACAACCTCTCCATTAGACGAGTTACAGTAGCA[A>G]TTAATGAAACGCCACTTTCCCGCCATGTTTCCCGCTCAATTTTCTTTAGTAGACTGGAAA-3'
Protein context (NP_001350469.1, residues 1151-1171): ETWRESGVSL[Ile1161Thr]ATVTRLMERL